The following is an entry in ClinVar:

ClinVar aggregate classification (germline): Pathogenic (1 of 4 stars; one submission).

Conditions:
Mucopolysaccharidosis, MPS-II (MPS2). Also called: Hunter Syndrome; IDURONATE 2-SULFATASE DEFICIENCY; Mucopolysaccharidosis Type II; Mucopolysaccharidosis type 2; Attenuated MPS (subtype; formerly known as mild MPS II); Severe MPS II. Identifiers: Orphanet 580, Orphanet 79388, MedGen C0026705, MONDO:0010674, OMIM 309900.

Submission:

Laboratory of Diagnosis and Therapy of Lysosomal Disorders, University of Padova
Classification: Pathogenic for Mucopolysaccharidosis, MPS-II. Last evaluated: 2024-06-07. Review status: criteria provided, single submitter. Criteria: ACMG Guidelines, 2015. Collection method: literature only. Allele origin: germline. Affected: yes. Observed: 1 variant allele.
Comment: Null variant (PVS1_VeryStrong), Absent from controls (or at low frequency) in gnomAD database (PM2_Moderate), Patient’s phenotype or family history highly specific for the disease (PP4_Moderate)

Classification method: ACMG Guidelines [PMID:25741868] with modifications

Literature cited by the submitters: PubMed 14728992.

NM_000202.8(IDS):c.247del (p.Val83fs)

Gene: IDS (iduronate 2-sulfatase; minus strand). Cytogenetic location: Xq28.
Variant type: Deletion.
Coding change: c.247del on transcript NM_000202.8 (MANE Select); coding-DNA position 247, one base deleted (G; older notation c.247delG).
Protein change: p.Val83fs; shifts the reading frame from valine 83.
Molecular consequence: frameshift variant. On other transcripts: non-coding transcript variant (1), intron variant (1).
Genome position (GRCh38, 1-based): chrX:149,503,483, C deleted on the plus strand (G on the coding strand, the reverse complement: IDS is on the minus strand). VCF-style (leftmost placement, unchanged base first): chrX-149503482-AC-A. GRCh37 (hg19) VCF-style: chrX-148585012-AC-A.
Other names: c.247del, p.Val83fs (NM_006123.5); c.15-38del (NM_001166550.4); short protein forms V83fs.
Identifiers: ClinVar variation 3255627 (VCV003255627.2).